The following is an entry in ClinVar:

ClinVar aggregate classification (germline): Uncertain significance (1 of 4 stars; one submission).

Conditions:
Nemaline myopathy 9 (NEM9). Identifiers: MedGen C3810384, MONDO:0014326, OMIM 615731.

Allele frequency attached by ClinVar (database versions not stated): TOPMed 0.00001.
gnomAD v4.1: 8 of 1,614,076 alleles (0.0005%); highest among the groups gnomAD compares: Non-Finnish European, 0.00068%; no homozygotes.

Submission:

Labcorp Genetics (formerly Invitae), Labcorp
Classification: Uncertain significance for Nemaline myopathy 9. Last evaluated: 2021-11-25. Review status: criteria provided, single submitter. Criteria: Invitae Variant Classification Sherloc (09022015). Collection method: clinical testing. Allele origin: germline.
Comment: This sequence change replaces aspartic acid, which is acidic and polar, with histidine, which is basic and polar, at codon 77 of the KLHL41 protein (p.Asp77His). This variant is not present in population databases (gnomAD no frequency). This variant has not been reported in the literature in individuals affected with KLHL41-related conditions. Algorithms developed to predict the effect of missense changes on protein structure and function are either unavailable or do not agree on the potential impact of this missense change (SIFT: "Deleterious"; PolyPhen-2: "Possibly Damaging"; Align-GVGD: "Class C0"). In summary, the available evidence is currently insufficient to determine the role of this variant in disease. Therefore, it has been classified as a Variant of Uncertain Significance.

NM_006063.3(KLHL41):c.229G>C (p.Asp77His)

Gene: KLHL41 (kelch like family member 41; plus strand). Cytogenetic location: 2q31.1.
Variant type: single nucleotide variant.
Coding change: c.229G>C on transcript NM_006063.3 (MANE Select); coding-DNA position 229, G replaced by C.
Protein change: p.Asp77His; replaces aspartic acid 77 with histidine.
Molecular consequence: missense variant.
Genome position (GRCh38, 1-based): chr2:169,510,007, G>C. VCF-style: chr2-169510007-G-C. GRCh37 (hg19) VCF-style: chr2-170366517-G-C.
Other names: short protein forms D77H.
Identifiers: ClinVar variation 1464812 (VCV001464812.3), dbSNP rs1222243445, ClinGen allele CA349173694.